The following is an entry in ClinVar:

ClinVar aggregate classification (germline): Uncertain significance (1 of 4 stars; one submission).

Submission:

Labcorp Genetics (formerly Invitae), Labcorp
Classification: Uncertain significance. Last evaluated: 2022-11-01. Review status: criteria provided, single submitter. Criteria: Invitae Variant Classification Sherloc (09022015). Collection method: clinical testing. Allele origin: germline.
Comment: In summary, the available evidence is currently insufficient to determine the role of this variant in disease. Therefore, it has been classified as a Variant of Uncertain Significance. Algorithms developed to predict the effect of missense changes on protein structure and function output the following: SIFT: "Tolerated"; PolyPhen-2: "Benign"; Align-GVGD: "Class C0". The leucine amino acid residue is found in multiple mammalian species, which suggests that this missense change does not adversely affect protein function. This variant has not been reported in the literature in individuals affected with TAOK2-related conditions. This variant is not present in population databases (gnomAD no frequency). This sequence change replaces methionine, which is neutral and non-polar, with leucine, which is neutral and non-polar, at codon 1063 of the TAOK2 protein (p.Met1063Leu).

NM_016151.4(TAOK2):c.3187A>T (p.Met1063Leu)

Gene: TAOK2 (TAO kinase 2; plus strand). Cytogenetic location: 16p11.2.
Variant type: single nucleotide variant.
Coding change: c.3187A>T on transcript NM_016151.4 (MANE Select); coding-DNA position 3187, A replaced by T.
Protein change: p.Met1063Leu; replaces methionine 1063 with leucine.
Molecular consequence: missense variant. On other transcripts: intron variant (1).
Genome position (GRCh38, 1-based): chr16:29,987,459, A>T. VCF-style: chr16-29987459-A-T. GRCh37 (hg19) VCF-style: chr16-29998780-A-T.
Other names: c.2848A>T, p.Met950Leu (NM_001252043.2); c.2232+955A>T (NM_004783.4); short protein forms M1063L, M950L.
Identifiers: ClinVar variation 2128595 (VCV002128595.4), dbSNP rs369823069, ClinGen allele CA395499036.